The following is an entry in ClinVar:

NM_001379081.2(FREM1):c.1153-2A>G

Gene: FREM1 (FRAS1 related extracellular matrix 1; minus strand). Cytogenetic location: 9p22.3.
Variant type: single nucleotide variant.
Coding change: c.1153-2A>G on transcript NM_001379081.2 (MANE Select); the canonical splice acceptor site of the intron before coding-DNA position 1153, A replaced by G.
Molecular consequence: splice acceptor variant.
Genome position (GRCh38, 1-based): chr9:14,848,775, T>C on the plus strand (A>G on the coding strand, the complement: FREM1 is on the minus strand). VCF-style: chr9-14848775-T-C. GRCh37 (hg19) VCF-style: chr9-14848773-T-C.
Other names: c.1153-2A>G (NM_144966.7, NM_001370065.1, NM_001370063.1); c.1180-2A>G (NM_001370060.1).
Identifiers: ClinVar variation 3698903 (VCV003698903.2).

ClinVar aggregate classification (germline): Likely pathogenic (1 of 4 stars; one submission).

Submission:

Labcorp Genetics (formerly Invitae), Labcorp
Classification: Likely pathogenic. Last evaluated: 2025-10-01. Review status: criteria provided, single submitter. Criteria: Invitae Variant Classification Sherloc (09022015). Collection method: clinical testing. Allele origin: germline.
Comment: This sequence change affects an acceptor splice site in intron 7 of the FREM1 gene. It is expected to disrupt RNA splicing. Variants that disrupt the donor or acceptor splice site typically lead to a loss of protein function (PMID: 16199547), and loss-of-function variants in FREM1 are known to be pathogenic (PMID: 19732862, 21507892). This variant is not present in population databases (gnomAD no frequency). This variant has not been reported in the literature in individuals affected with FREM1-related conditions. ClinVar contains an entry for this variant (Variation ID: 3698903). Algorithms developed to predict the effect of sequence changes on RNA splicing suggest that this variant may disrupt the consensus splice site. In summary, the currently available evidence indicates that the variant is pathogenic, but additional data are needed to prove that conclusively. Therefore, this variant has been classified as Likely Pathogenic.

Literature cited by the submitters: PubMed 16199547; PubMed 19732862; PubMed 21507892.